The following is an entry in ClinVar:

ClinVar aggregate classification (germline): Uncertain significance. Review status: criteria provided, multiple submitters, no conflicts (2 of 4 stars). 2 submissions from 2 submitters: Uncertain significance (2). Last evaluated 2025-10-29.

Allele frequency attached by ClinVar (database versions not stated): TOPMed below 0.00001; gnomAD exomes 0.00002.
gnomAD v4.1: 33 of 1,604,944 alleles (0.0021%); highest among the groups gnomAD compares: Non-Finnish European, 0.0027%; no homozygotes.

Submissions (2):

Ambry Genetics
Classification: Uncertain significance. Last evaluated: 2025-10-29. Review status: criteria provided, single submitter. Criteria: Ambry Variant Classification Scheme 2023. Collection method: clinical testing. Allele origin: germline.

Labcorp Genetics (formerly Invitae), Labcorp
Classification: Uncertain significance. Last evaluated: 2022-02-04. Review status: criteria provided, single submitter. Criteria: Invitae Variant Classification Sherloc (09022015). Collection method: clinical testing. Allele origin: germline.
Comment: This sequence change replaces alanine, which is neutral and non-polar, with threonine, which is neutral and polar, at codon 19 of the GUCA1B protein (p.Ala19Thr). This variant is not present in population databases (gnomAD no frequency). This variant has not been reported in the literature in individuals affected with GUCA1B-related conditions. ClinVar contains an entry for this variant (Variation ID: 839648). Algorithms developed to predict the effect of missense changes on protein structure and function output the following: SIFT: "Tolerated"; PolyPhen-2: "Benign"; Align-GVGD: "Class C0". The threonine amino acid residue is found in multiple mammalian species, which suggests that this missense change does not adversely affect protein function. In summary, the available evidence is currently insufficient to determine the role of this variant in disease. Therefore, it has been classified as a Variant of Uncertain Significance.

NM_002098.6(GUCA1B):c.55G>A (p.Ala19Thr)

Gene: GUCA1B (guanylate cyclase activator 1B; minus strand). Cytogenetic location: 6p21.1.
Variant type: single nucleotide variant.
Coding change: c.55G>A on transcript NM_002098.6 (MANE Select); coding-DNA position 55, G replaced by A.
Protein change: p.Ala19Thr; replaces alanine 19 with threonine.
Molecular consequence: missense variant.
Genome position (GRCh38, 1-based): chr6:42,194,766, C>T on the plus strand (G>A on the coding strand, the complement: GUCA1B is on the minus strand). VCF-style: chr6-42194766-C-T. GRCh37 (hg19) VCF-style: chr6-42162504-C-T.
Other names: short protein forms A19T.
Identifiers: ClinVar variation 839648 (VCV000839648.12), dbSNP rs1768369372, ClinGen allele CA364114110.